The following is an entry in ClinVar:

ClinVar aggregate classification (germline): Uncertain significance. Review status: criteria provided, multiple submitters, no conflicts (2 of 4 stars). 2 submissions from 2 submitters: Uncertain significance (2). Last evaluated 2024-10-31.

Conditions:
COL6A2-related disorder.

Allele frequency attached by ClinVar (database versions not stated): TOPMed below 0.00001; ExAC 0.00001; gnomAD 0.00001; 1000 Genomes Project 30x 0.00016; 1000 Genomes Project 0.00020.
gnomAD v4.1: 1 of 1,612,822 alleles (0.000062%); highest among the groups gnomAD compares: Admixed American, 0.0017%; no homozygotes.

Submissions (2):

PreventionGenetics, part of Exact Sciences
Classification: Uncertain significance for COL6A2-related condition. Last evaluated: 2024-10-31. Review status: criteria provided, single submitter. Criteria: ACMG Guidelines, 2015. Collection method: clinical testing. Allele origin: germline.
Comment: The COL6A2 c.1024C>T variant is predicted to result in the amino acid substitution p.Pro342Ser. To our knowledge, this variant has not been reported in the literature. This variant is reported in 0.0029% of alleles in individuals of Latino descent in gnomAD. At this time, the clinical significance of this variant is uncertain due to the absence of conclusive functional and genetic evidence.

Revvity Omics, Revvity
Classification: Uncertain significance. Last evaluated: 2019-12-03. Review status: criteria provided, single submitter. Criteria: ACMG Guidelines, 2015. Collection method: clinical testing. Allele origin: germline.

NM_001849.4(COL6A2):c.1024C>T (p.Pro342Ser)

Gene: COL6A2 (collagen type VI alpha 2 chain; plus strand). Cytogenetic location: 21q22.3.
Variant type: single nucleotide variant.
Coding change: c.1024C>T on transcript NM_001849.4 (MANE Select); coding-DNA position 1024, C replaced by T.
Protein change: p.Pro342Ser; replaces proline 342 with serine.
Molecular consequence: missense variant.
Genome position (GRCh38, 1-based): chr21:46,117,424, C>T. VCF-style: chr21-46117424-C-T. GRCh37 (hg19) VCF-style: chr21-47537338-C-T.
Other names: c.1024C>T, p.Pro342Ser (NM_058174.3, NM_058175.3); short protein forms P342S.
Identifiers: ClinVar variation 2440387 (VCV002440387.4), dbSNP rs570110933, ClinGen allele CA10071635.